The following is an entry in ClinVar:

ClinVar aggregate classification (germline): Pathogenic (1 of 4 stars; one submission).

Conditions:
Dilated cardiomyopathy 1O (CMD1O). Also called: CARDIOMYOPATHY, DILATED, WITH VENTRICULAR TACHYCARDIA. Identifiers: Orphanet 154, MedGen C1837839, MONDO:0012062, OMIM 608569.

Submission:

Labcorp Genetics (formerly Invitae), Labcorp
Classification: Pathogenic for Dilated cardiomyopathy 1O. Last evaluated: 2024-10-01. Review status: criteria provided, single submitter. Criteria: Invitae Variant Classification Sherloc (09022015). Collection method: clinical testing. Allele origin: germline.
Comment: This sequence change creates a premature translational stop signal (p.Leu534Tyrfs*9) in the ABCC9 gene. It is expected to result in an absent or disrupted protein product. Loss-of-function variants in ABCC9 are known to be pathogenic (PMID: 31575858, 38217872). This variant is not present in population databases (gnomAD no frequency). This variant has not been reported in the literature in individuals affected with ABCC9-related conditions. ClinVar contains an entry for this variant (Variation ID: 1446144). For these reasons, this variant has been classified as Pathogenic.

Literature cited by the submitters: PubMed 31575858; PubMed 38217872.

NM_020297.4(ABCC9):c.1600del (p.Leu534fs)

Gene: ABCC9 (ATP binding cassette subfamily C member 9; minus strand). Cytogenetic location: 12p12.1.
Variant type: Deletion.
Coding change: c.1600del on transcript NM_020297.4 (MANE Select); coding-DNA position 1600, one base deleted (C; older notation c.1600delC).
Protein change: p.Leu534fs; shifts the reading frame from leucine 534.
Molecular consequence: frameshift variant.
Genome position (GRCh38, 1-based): chr12:21,906,144, G deleted on the plus strand (C on the coding strand, the reverse complement: ABCC9 is on the minus strand). VCF-style (leftmost placement, unchanged base first): chr12-21906143-AG-A. GRCh37 (hg19) VCF-style: chr12-22059077-AG-A.
Other names: c.1600del, p.Leu534fs (NM_001377273.1, NM_005691.4); c.736del, p.Leu246fs (NM_001377274.1); short protein forms L534fs, L246fs.
Identifiers: ClinVar variation 1446144 (VCV001446144.6), dbSNP rs2137837524, ClinGen allele CA2573148462.